The following is an entry in ClinVar:

ClinVar aggregate classification (germline): Uncertain significance (1 of 4 stars; one submission).

Allele frequency attached by ClinVar (database versions not stated): TOPMed below 0.00001.

Submission:

Labcorp Genetics (formerly Invitae), Labcorp
Classification: Uncertain significance. Last evaluated: 2022-06-24. Review status: criteria provided, single submitter. Criteria: Invitae Variant Classification Sherloc (09022015). Collection method: clinical testing. Allele origin: germline.
Comment: This sequence change replaces serine, which is neutral and polar, with phenylalanine, which is neutral and non-polar, at codon 1768 of the SZT2 protein (p.Ser1768Phe). This variant is not present in population databases (gnomAD no frequency). This variant has not been reported in the literature in individuals affected with SZT2-related conditions. Algorithms developed to predict the effect of missense changes on protein structure and function are either unavailable or do not agree on the potential impact of this missense change (SIFT: "Deleterious"; PolyPhen-2: "Probably Damaging"; Align-GVGD: "Class C15"). In summary, the available evidence is currently insufficient to determine the role of this variant in disease. Therefore, it has been classified as a Variant of Uncertain Significance.

NM_001365999.1(SZT2):c.5474C>T (p.Ser1825Phe)

Gene: SZT2 (SZT2 subunit of KICSTOR complex; plus strand). Cytogenetic location: 1p34.2.
Variant type: single nucleotide variant.
Coding change: c.5474C>T on transcript NM_001365999.1 (MANE Select); coding-DNA position 5474, C replaced by T.
Protein change: p.Ser1825Phe; replaces serine 1825 with phenylalanine.
Molecular consequence: missense variant.
Genome position (GRCh38, 1-based): chr1:43,432,548, C>T. VCF-style: chr1-43432548-C-T. GRCh37 (hg19) VCF-style: chr1-43898219-C-T.
Other names: c.5303C>T, p.Ser1768Phe (NM_015284.4); short protein forms S1768F, S1825F.
Identifiers: ClinVar variation 2010074 (VCV002010074.4), dbSNP rs1654024893, ClinGen allele CA340025378.